The following is an entry in ClinVar:

NM_006017.3(PROM1):c.206G>A (p.Arg69His)

Gene: PROM1 (prominin 1; minus strand). Cytogenetic location: 4p15.32.
Variant type: single nucleotide variant.
Coding change: c.206G>A on transcript NM_006017.3 (MANE Select); coding-DNA position 206, G replaced by A.
Protein change: p.Arg69His; replaces arginine 69 with histidine.
Molecular consequence: missense variant.
Genome position (GRCh38, 1-based): chr4:16,075,701, C>T on the plus strand (G>A on the coding strand, the complement: PROM1 is on the minus strand). VCF-style: chr4-16075701-C-T. GRCh37 (hg19) VCF-style: chr4-16077324-C-T.
Other names: c.206G>A (NM_006017.2); c.206G>A, p.Arg69His (NM_001145847.2, NM_001145848.2, NM_001145849.2 and 6 more transcripts); short protein forms R69H.
Identifiers: ClinVar variation 2983121 (VCV002983121.5), dbSNP rs370251231, ClinGen allele CA2867168.

ClinVar aggregate classification (germline): Conflicting classifications of pathogenicity. Review status: criteria provided, conflicting classifications (1 of 4 stars). 3 submissions from 3 submitters: Uncertain significance (2); Likely benign (1). Last evaluated 2025-08-07.

Conditions:
Inborn genetic diseases. Identifiers: MedGen C0950123, MeSH D030342.

Allele frequency attached by ClinVar (database versions not stated): ESP Exome Variant Server 0.00008.
gnomAD v4.1: 110 of 1,612,002 alleles (0.0068%); highest among the groups gnomAD compares: Non-Finnish European, 0.0087%; no homozygotes.

Submissions (3):

Ambry Genetics
Classification: Likely benign for Inborn genetic diseases. Last evaluated: 2025-08-07. Review status: criteria provided, single submitter. Criteria: Ambry Variant Classification Scheme 2023. Collection method: clinical testing. Allele origin: germline.

Blueprint Genetics
Classification: Uncertain significance. Last evaluated: 2023-10-09. Review status: criteria provided, single submitter. Criteria: ACMG Guidelines, 2015. Collection method: clinical testing. Allele origin: germline.

Labcorp Genetics (formerly Invitae), Labcorp
Classification: Uncertain significance. Last evaluated: 2022-12-16. Review status: criteria provided, single submitter. Criteria: Invitae Variant Classification Sherloc (09022015). Collection method: clinical testing. Allele origin: germline.
Comment: This sequence change replaces arginine, which is basic and polar, with histidine, which is basic and polar, at codon 69 of the PROM1 protein (p.Arg69His). This variant is present in population databases (rs370251231, gnomAD 0.02%). This variant has not been reported in the literature in individuals affected with PROM1-related conditions. Advanced modeling of protein sequence and biophysical properties (such as structural, functional, and spatial information, amino acid conservation, physicochemical variation, residue mobility, and thermodynamic stability) performed at Invitae indicates that this missense variant is not expected to disrupt PROM1 protein function. In summary, the available evidence is currently insufficient to determine the role of this variant in disease. Therefore, it has been classified as a Variant of Uncertain Significance.